The following is an entry in ClinVar:

ClinVar aggregate classification (germline): Conflicting classifications of pathogenicity. Review status: criteria provided, conflicting classifications (1 of 4 stars). 3 submissions from 3 submitters: Uncertain significance (2); Likely benign (1). Last evaluated 2024-06-11.

Conditions:
Cone-rod dystrophy 20 (CORD20). Identifiers: Orphanet 1872, MedGen C4014856, MONDO:0014427, OMIM 615973.

Allele frequency attached by ClinVar (database versions not stated): ESP Exome Variant Server 0.00008; gnomAD 0.00009 and 0.00011; TOPMed 0.00009; gnomAD exomes 0.00010; ExAC 0.00011; 1000 Genomes Project 0.00060; 1000 Genomes Project 30x 0.00062.
gnomAD v4.1: 169 of 1,614,136 alleles (0.01%); highest among the groups gnomAD compares: South Asian, 0.049%; no homozygotes.

Submissions (3):

Fulgent Genetics
Classification: Uncertain significance for Cone-rod dystrophy 20. Last evaluated: 2024-06-11. Review status: criteria provided, single submitter. Criteria: ACMG Guidelines, 2015. Collection method: clinical testing. Allele origin: germline.

Blueprint Genetics
Classification: Likely benign. Last evaluated: 2024-04-17. Review status: criteria provided, single submitter. Criteria: ACMG Guidelines, 2015. Collection method: clinical testing. Allele origin: germline.

Labcorp Genetics (formerly Invitae), Labcorp
Classification: Uncertain significance. Last evaluated: 2023-10-15. Review status: criteria provided, single submitter. Criteria: Invitae Variant Classification Sherloc (09022015). Collection method: clinical testing. Allele origin: germline.
Comment: This sequence change replaces cysteine, which is neutral and slightly polar, with tyrosine, which is neutral and polar, at codon 401 of the POC1B protein (p.Cys401Tyr). This variant is present in population databases (rs138358967, gnomAD 0.04%). This variant has not been reported in the literature in individuals affected with POC1B-related conditions. ClinVar contains an entry for this variant (Variation ID: 935892). Advanced modeling of protein sequence and biophysical properties (such as structural, functional, and spatial information, amino acid conservation, physicochemical variation, residue mobility, and thermodynamic stability) performed at Invitae indicates that this missense variant is not expected to disrupt POC1B protein function. In summary, the available evidence is currently insufficient to determine the role of this variant in disease. Therefore, it has been classified as a Variant of Uncertain Significance.

NM_172240.3(POC1B):c.1202G>A (p.Cys401Tyr)

Genes: POC1B (POC1 centriolar protein B; minus strand), POC1B-DUSP6 (POC1B-DUSP6 readthrough; minus strand). Cytogenetic location: 12q21.33.
Variant type: single nucleotide variant.
Coding change: c.1202G>A on transcript NM_172240.3 (MANE Select); coding-DNA position 1202, G replaced by A.
Protein change: p.Cys401Tyr; replaces cysteine 401 with tyrosine.
Molecular consequence: missense variant. On other transcripts: non-coding transcript variant (2).
Genome position (GRCh38, 1-based): chr12:89,425,291, C>T on the plus strand (G>A on the coding strand, the complement: POC1B is on the minus strand). VCF-style: chr12-89425291-C-T. GRCh37 (hg19) VCF-style: chr12-89819068-C-T.
Other names: c.1076G>A, p.Cys359Tyr (NM_001199777.2); short protein forms C359Y, C401Y.
Identifiers: ClinVar variation 935892 (VCV000935892.8), dbSNP rs138358967, ClinGen allele CA6714231.
Genomic context (GRCh38, chr12:89,425,291, plus strand): 5'-TGACTTTCACAGGGGAGGTCACTCATGTCTTCTGTTTTCTTTTTCGTGGTTGTTGGCAAA[C>T]ATTCTGGTGACATTAAGGAAGGGTTCAAGAAATATCCACAGGCCTCTTCACCCTTGTCTG-3'
Protein context (NP_758440.1, residues 391-411): FLNPSLMSPE[Cys401Tyr]LPTTTKKKTE